The following is an entry in ClinVar:

NM_001844.5(COL2A1):c.1996-10C>A

Gene: COL2A1 (collagen type II alpha 1 chain; minus strand). Cytogenetic location: 12q13.11.
Variant type: single nucleotide variant.
Coding change: c.1996-10C>A on transcript NM_001844.5 (MANE Select); 10 bases into the intron before coding-DNA position 1996, C replaced by A.
Molecular consequence: intron variant.
Genome position (GRCh38, 1-based): chr12:47,983,448, G>T on the plus strand (C>A on the coding strand, the complement: COL2A1 is on the minus strand). VCF-style: chr12-47983448-G-T. GRCh37 (hg19) VCF-style: chr12-48377231-G-T.
Other names: c.1789-10C>A (NM_033150.3).
Identifiers: ClinVar variation 1042659 (VCV001042659.9), dbSNP rs144804336, ClinGen allele CA479464793.

ClinVar aggregate classification (germline): Uncertain significance. Review status: criteria provided, multiple submitters, no conflicts (2 of 4 stars). 2 submissions from 2 submitters: Uncertain significance (2). Last evaluated 2024-03-28.

Submissions (2):

GeneDx
Classification: Uncertain significance. Last evaluated: 2024-03-28. Review status: criteria provided, single submitter. Criteria: GeneDx Variant Classification Process June 2021. Collection method: clinical testing. Allele origin: germline. Affected: yes.
Comment: Has not been previously published as pathogenic or benign to our knowledge; Not observed at significant frequency in large population cohorts (gnomAD); In silico analysis supports a deleterious effect on splicing

Labcorp Genetics (formerly Invitae), Labcorp
Classification: Uncertain significance. Last evaluated: 2022-10-24. Review status: criteria provided, single submitter. Criteria: Invitae Variant Classification Sherloc (09022015). Collection method: clinical testing. Allele origin: germline.
Comment: In summary, the available evidence is currently insufficient to determine the role of this variant in disease. Therefore, it has been classified as a Variant of Uncertain Significance. Algorithms developed to predict the effect of sequence changes on RNA splicing suggest that this variant may disrupt the consensus splice site. ClinVar contains an entry for this variant (Variation ID: 1042659). This variant has not been reported in the literature in individuals affected with COL2A1-related conditions. This variant is not present in population databases (gnomAD no frequency). This sequence change falls in intron 30 of the COL2A1 gene. It does not directly change the encoded amino acid sequence of the COL2A1 protein.